The following is an entry in ClinVar:

ClinVar aggregate classification (germline): Likely benign (1 of 4 stars; one submission).

Submission:

CeGaT Center for Human Genetics Tuebingen
Classification: Likely benign. Last evaluated: 2026-09-01. Review status: criteria provided, single submitter. Criteria: CeGaT Center For Human Genetics Tuebingen Variant Classification Criteria Version 2. Collection method: clinical testing. Allele origin: germline. Affected: yes. Observed: 4 variant alleles.
Comment: NTRK1: BS1

NM_002529.4(NTRK1):c.851-614GT[17]

Gene: NTRK1 (neurotrophic receptor tyrosine kinase 1; plus strand). Cytogenetic location: 1q23.1.
Variant type: Microsatellite.
Coding change: c.851-614GT[17] on transcript NM_002529.4 (MANE Select); 17 copies in a row of the 2-base unit GT starting at c.851-614; the reference has 22 copies in a row; five copies, 10 bases deleted.
Molecular consequence: intron variant.
Genome position (GRCh38, 1-based): chr1:156,873,053-156,873,062, GTGTGTGTGT deleted; deleting any 10 consecutive bases within chr1:156,873,019-156,873,062 gives the same sequence; the position shown is the placement nearest the transcript's 3' end. VCF-style (leftmost placement, unchanged base first): chr1-156873018-AGTGTGTGTGT-A. GRCh37 (hg19) VCF-style: chr1-156842810-AGTGTGTGTGT-A.
Other names: c.761-614GT[17] (NM_001007792.1); c.851-614GT[17] (NM_001012331.2).
Identifiers: ClinVar variation 2639469 (VCV002639469.24), dbSNP rs55870362, ClinGen allele CA889787913.